The following is an entry in ClinVar:

ClinVar aggregate classification (germline): Uncertain significance (1 of 4 stars; one submission).

Conditions:
Occipital pachygyria and polymicrogyria. Identifiers: Orphanet 280640, MedGen C3279875, MONDO:0013583, OMIM 614115.

Allele frequency attached by ClinVar (database versions not stated): gnomAD exomes below 0.00001; TOPMed below 0.00001; gnomAD 0.00001.
gnomAD v4.1: 3 of 1,591,142 alleles (0.00019%); highest among the groups gnomAD compares: African/African-American, 0.0013%; no homozygotes.

Submission:

Baylor Genetics
Classification: Uncertain significance for Occipital pachygyria and polymicrogyria. Last evaluated: 2017-09-01. Review status: criteria provided, single submitter. Criteria: ACMG Guidelines, 2015. Collection method: clinical testing. Allele origin: maternal. Inheritance: Autosomal recessive inheritance. Affected: yes.

Literature cited by the submitters: PubMed 25326635.

NM_006059.4(LAMC3):c.4523C>T (p.Thr1508Ile)

Gene: LAMC3 (laminin subunit gamma 3; plus strand). Cytogenetic location: 9q34.12.
Variant type: single nucleotide variant.
Coding change: c.4523C>T on transcript NM_006059.4 (MANE Select); coding-DNA position 4523, C replaced by T.
Protein change: p.Thr1508Ile; replaces threonine 1508 with isoleucine.
Molecular consequence: missense variant.
Genome position (GRCh38, 1-based): chr9:131,091,582, C>T. VCF-style: chr9-131091582-C-T. GRCh37 (hg19) VCF-style: chr9-133966969-C-T.
Other names: short protein forms T1508I.
Identifiers: ClinVar variation 561049 (VCV000561049.2), dbSNP rs1186517778, ClinGen allele CA375266930.